The following is an entry in ClinVar:

ClinVar aggregate classification (germline): Pathogenic. Review status: criteria provided, single submitter (1 of 4 stars). 2 submissions from 1 submitter: Pathogenic (1). 1 of the submissions does not count toward it. Last evaluated 2024-03-25.

Conditions:
Non-immune hydrops fetalis (NIHF). Also called: Fetal edema; Idiopathic hydrops fetalis; Familial non-immune hydrops fetalis. Identifiers: Orphanet 363999, MedGen C0455988, MONDO:0009369, OMIM 236750, HP:0001790.

Allele frequency attached by ClinVar (database versions not stated): ExAC 0.00002; gnomAD exomes 0.00003 and 0.00009; gnomAD 0.00006; TOPMed 0.00012.
gnomAD v4.1: 133 of 1,614,030 alleles (0.0082%); highest among the groups gnomAD compares: Middle Eastern, 0.066%; no homozygotes.

Submissions (2):

Genomic Medicine Center of Excellence, King Faisal Specialist Hospital and Research Centre
Classification: Pathogenic. Last evaluated: 2024-03-25. Review status: criteria provided, single submitter. Criteria: ACMG Guidelines, 2015. Collection method: clinical testing. Allele origin: germline.

Genomic Medicine Center of Excellence, King Faisal Specialist Hospital and Research Centre
Classification: Likely pathogenic for Non-Immune hydrops fetalis. Last evaluated: 2014-09-16. Review status: flagged submission. Criteria: Submitter's publication. Collection method: research. Allele origin: germline. Affected: yes. Observed: 1 homozygote. Not counted in ClinVar's aggregate classification.
ClinVar note: Reason: This record appears to be redundant with a more recent record from the same submitter.
ClinVar note: Notes: SCV000222679 appears to be redundant with SCV004806420.

NM_024572.4(GALNT14):c.1273C>T (p.Arg425Ter)

Gene: GALNT14 (polypeptide N-acetylgalactosaminyltransferase 14; minus strand). Cytogenetic location: 2p23.1.
Variant type: single nucleotide variant.
Coding change: c.1273C>T on transcript NM_024572.4 (MANE Select); coding-DNA position 1273, C replaced by T.
Protein change: p.Arg425Ter; replaces arginine 425 with a stop codon.
Molecular consequence: nonsense. On other transcripts: intron variant (1).
Genome position (GRCh38, 1-based): chr2:30,924,226, G>A on the plus strand (C>T on the coding strand, the complement: GALNT14 is on the minus strand). VCF-style: chr2-30924226-G-A. GRCh37 (hg19) VCF-style: chr2-31147092-G-A.
Other names: c.1288C>T, p.Arg430Ter (NM_001253826.2); c.1213C>T, p.Arg405Ter (NM_001253827.2, NM_001329096.2); c.1168C>T, p.Arg390Ter (NM_001329095.2); c.1151+5169C>T (NM_001329097.2); short protein forms R425*, R430*, R405*, R390*.
Identifiers: ClinVar variation 190462 (VCV000190462.2), dbSNP rs201118996, ClinGen allele CA199719.